The following is an entry in ClinVar:

ClinVar aggregate classification (germline): Uncertain significance. Review status: criteria provided, multiple submitters, no conflicts (2 of 4 stars). 2 submissions from 2 submitters: Uncertain significance (2). Last evaluated 2025-01-08.

Conditions:
Methylcobalamin deficiency type cblG (HMAG). Also called: HOMOCYSTINURIA-MEGALOBLASTIC ANEMIA, cblG COMPLEMENTATION TYPE; HOMOCYSTINURIA-MEGALOBLASTIC ANEMIA DUE TO DEFECT IN COBALAMIN METABOLISM, cblG COMPLEMENTATION TYPE; Functional methionine synthase deficiency type cblG; HOMOCYSTINURIA-MEGALOBLASTIC ANEMIA, cblG TYPE. Identifiers: Orphanet 2170, Orphanet 622, MedGen C1855128, MONDO:0009609, OMIM 250940.
Inborn genetic diseases. Identifiers: MedGen C0950123, MeSH D030342.

Allele frequency attached by ClinVar (database versions not stated): ExAC 0.00001; gnomAD 0.00003; TOPMed 0.00004.
gnomAD v4.1: 32 of 1,613,908 alleles (0.002%); highest among the groups gnomAD compares: Non-Finnish European, 0.0025%; no homozygotes.

Submissions (2):

Labcorp Genetics (formerly Invitae), Labcorp
Classification: Uncertain significance for Methylcobalamin deficiency type cblG. Last evaluated: 2025-01-08. Review status: criteria provided, single submitter. Criteria: Invitae Variant Classification Sherloc (09022015). Collection method: clinical testing. Allele origin: germline.
Comment: This sequence change replaces methionine, which is neutral and non-polar, with valine, which is neutral and non-polar, at codon 594 of the MTR protein (p.Met594Val). This variant is present in population databases (rs531465813, gnomAD 0.007%). This variant has not been reported in the literature in individuals affected with MTR-related conditions. ClinVar contains an entry for this variant (Variation ID: 3217404). Invitae Evidence Modeling of protein sequence and biophysical properties (such as structural, functional, and spatial information, amino acid conservation, physicochemical variation, residue mobility, and thermodynamic stability) has been performed for this missense variant. However, the output from this modeling did not meet the statistical confidence thresholds required to predict the impact of this variant on MTR protein function. In summary, the available evidence is currently insufficient to determine the role of this variant in disease. Therefore, it has been classified as a Variant of Uncertain Significance.

Ambry Genetics
Classification: Uncertain significance for Inborn genetic diseases. Last evaluated: 2023-12-09. Review status: criteria provided, single submitter. Criteria: Ambry Variant Classification Scheme 2023. Collection method: clinical testing. Allele origin: germline.

NM_000254.3(MTR):c.1780A>G (p.Met594Val)

Gene: MTR (5-methyltetrahydrofolate-homocysteine methyltransferase; plus strand). Cytogenetic location: 1q43.
Variant type: single nucleotide variant.
Coding change: c.1780A>G on transcript NM_000254.3 (MANE Select); coding-DNA position 1780, A replaced by G.
Protein change: p.Met594Val; replaces methionine 594 with valine.
Molecular consequence: missense variant.
Genome position (GRCh38, 1-based): chr1:236,852,605, A>G. VCF-style: chr1-236852605-A-G. GRCh37 (hg19) VCF-style: chr1-237015905-A-G.
Other names: c.1780A>G, p.Met594Val (NM_001291939.1, NM_001410942.1); c.559A>G, p.Met187Val (NM_001291940.2); short protein forms M594V, M187V.
Identifiers: ClinVar variation 3217404 (VCV003217404.3), dbSNP rs531465813, ClinGen allele CA1474165.